The following is an entry in ClinVar:

ClinVar aggregate classification (germline): Uncertain significance. Review status: criteria provided, multiple submitters, no conflicts (2 of 4 stars). 3 submissions from 3 submitters: Uncertain significance (3). Last evaluated 2026-01-26.

Conditions:
Inborn genetic diseases. Identifiers: MedGen C0950123, MeSH D030342.
Joubert syndrome 8 (JBTS8). Identifiers: Orphanet 475, MedGen C2676771, MONDO:0012855, OMIM 612291.

Allele frequency attached by ClinVar (database versions not stated): gnomAD 0.00001; TOPMed 0.00002; gnomAD exomes 0.00003 and 0.00006; ExAC 0.00007; ESP Exome Variant Server 0.00008.
gnomAD v4.1: 44 of 1,613,304 alleles (0.0027%); highest among the groups gnomAD compares: South Asian, 0.03%; no homozygotes.

Submissions (3):

Labcorp Genetics (formerly Invitae), Labcorp
Classification: Uncertain significance for Joubert syndrome 8. Last evaluated: 2026-01-26. Review status: criteria provided, single submitter. Criteria: Invitae Variant Classification Sherloc (09022015). Collection method: clinical testing. Allele origin: germline.
Comment: This sequence change replaces isoleucine, which is neutral and non-polar, with threonine, which is neutral and polar, at codon 265 of the ARL13B protein (p.Ile265Thr). This variant is present in population databases (rs144719706, gnomAD 0.02%). This variant has not been reported in the literature in individuals affected with ARL13B-related conditions. ClinVar contains an entry for this variant (Variation ID: 1373863). Invitae Evidence Modeling of protein sequence and biophysical properties (such as structural, functional, and spatial information, amino acid conservation, physicochemical variation, residue mobility, and thermodynamic stability) indicates that this missense variant is not expected to disrupt ARL13B protein function with a negative predictive value of 80%. In summary, the available evidence is currently insufficient to determine the role of this variant in disease. Therefore, it has been classified as a Variant of Uncertain Significance.

Ambry Genetics
Classification: Uncertain significance for Inborn genetic diseases. Last evaluated: 2025-10-07. Review status: criteria provided, single submitter. Criteria: Ambry Variant Classification Scheme 2023. Collection method: clinical testing. Allele origin: germline.

Fulgent Genetics
Classification: Uncertain significance for Joubert syndrome 8. Last evaluated: 2024-04-24. Review status: criteria provided, single submitter. Criteria: ACMG Guidelines, 2015. Collection method: clinical testing. Allele origin: germline.

NM_001174150.2(ARL13B):c.794T>C (p.Ile265Thr)

Gene: ARL13B (ARF like GTPase 13B; plus strand). Cytogenetic location: 3q11.2.
Variant type: single nucleotide variant.
Coding change: c.794T>C on transcript NM_001174150.2 (MANE Select); coding-DNA position 794, T replaced by C.
Protein change: p.Ile265Thr; replaces isoleucine 265 with threonine.
Molecular consequence: missense variant. On other transcripts: non-coding transcript variant (2).
Genome position (GRCh38, 1-based): chr3:94,039,984, T>C. VCF-style: chr3-94039984-T-C. GRCh37 (hg19) VCF-style: chr3-93758828-T-C.
Other names: c.485T>C, p.Ile162Thr (NM_001174151.2); c.749T>C, p.Ile250Thr (NM_001321328.2); c.473T>C, p.Ile158Thr (NM_144996.4); c.794T>C, p.Ile265Thr (NM_182896.3); c.794T>C (NM_182896.2); short protein forms I250T, I265T, I158T, I162T.
Identifiers: ClinVar variation 1373863 (VCV001373863.9), dbSNP rs144719706, ClinGen allele CA2504166.
Genomic context (GRCh38, chr3:94,039,984, plus strand): 5'-GTCTGGCTGAGTTGGACCCAGAACCAACGAATCCTTTCCAGCCAATAGCATCTGTAATCA[T>C]TGAGGTATGAATGATGGCAAATGTAATTTTTGTATCTTAAGTTATAAGTTGGAACTTGGA-3'
Protein context (NP_001167621.1, residues 255-275): NPFQPIASVI[Ile265Thr]ENEGKLEREK